The following is an entry in ClinVar:

ClinVar aggregate classification (germline): Likely benign. Review status: criteria provided, single submitter (1 of 4 stars). 2 submissions from 2 submitters: Likely benign (1). 1 of the submissions does not count toward it. Last evaluated 2025-10-27.

Conditions:
COL13A1-related disorder. Also called: COL13A1-related condition.

Allele frequency attached by ClinVar (database versions not stated): gnomAD exomes below 0.00001; gnomAD 0.00001; 1000 Genomes Project 0.00020; 1000 Genomes Project 30x 0.00016; ExAC 0.00001.
gnomAD v4.1: 5 of 1,613,614 alleles (0.00031%); highest among the groups gnomAD compares: Admixed American, 0.0083%; no homozygotes.

Submissions (2):

Labcorp Genetics (formerly Invitae), Labcorp
Classification: Likely benign. Last evaluated: 2025-10-27. Review status: criteria provided, single submitter. Criteria: Invitae Variant Classification Sherloc (09022015). Collection method: clinical testing. Allele origin: germline.

PreventionGenetics, part of Exact Sciences
Classification: Likely benign for COL13A1-related condition. Last evaluated: 2019-08-09. Review status: no assertion criteria provided. Collection method: clinical testing. Allele origin: germline. Not counted in ClinVar's aggregate classification.
Comment: This variant is classified as likely benign based on ACMG/AMP sequence variant interpretation guidelines (Richards et al. 2015 PMID: 25741868, with internal and published modifications).

NM_001368882.1(COL13A1):c.540T>C (p.Pro180=)

Gene: COL13A1 (collagen type XIII alpha 1 chain; plus strand). Cytogenetic location: 10q22.1.
Variant type: single nucleotide variant.
Coding change: c.540T>C on transcript NM_001368882.1 (MANE Select); coding-DNA position 540, T replaced by C.
Protein change: p.Pro180=; no amino-acid change (proline 180 retained).
Molecular consequence: synonymous variant. On other transcripts: 5 prime UTR variant (1).
Genome position (GRCh38, 1-based): chr10:69,887,482, T>C. VCF-style: chr10-69887482-T-C. GRCh37 (hg19) VCF-style: chr10-71647238-T-C.
Other names: c.513T>C, p.Pro171= (NM_001130103.2, NM_080800.4, NM_080801.4 and 1 more transcripts); c.540T>C, p.Pro180= (NM_001320951.2, NM_001368884.1); c.504T>C, p.Pro168= (NM_001368883.1, NM_001368885.1); c.-61T>C (NM_001368886.1); c.450T>C, p.Pro150= (NM_001368895.1); c.399T>C, p.Pro133= (NM_001368896.1, NM_001368898.1, NM_080798.4); c.426T>C, p.Pro142= (NM_001368897.1, NM_080805.4).
Identifiers: ClinVar variation 3034514 (VCV003034514.3), dbSNP rs530365744, ClinGen allele CA5534236.